The following is an entry in ClinVar:

ClinVar aggregate classification (germline): Uncertain significance (1 of 4 stars; one submission).

Submission:

Labcorp Genetics (formerly Invitae), Labcorp
Classification: Uncertain significance. Last evaluated: 2024-02-17. Review status: criteria provided, single submitter. Criteria: Invitae Variant Classification Sherloc (09022015). Collection method: clinical testing. Allele origin: germline.
Comment: This sequence change replaces alanine, which is neutral and non-polar, with valine, which is neutral and non-polar, at codon 2 of the NBAS protein (p.Ala2Val). This variant is not present in population databases (gnomAD no frequency). This variant has not been reported in the literature in individuals affected with NBAS-related conditions. ClinVar contains an entry for this variant (Variation ID: 1383701). Advanced modeling of protein sequence and biophysical properties (such as structural, functional, and spatial information, amino acid conservation, physicochemical variation, residue mobility, and thermodynamic stability) performed at Invitae indicates that this missense variant is not expected to disrupt NBAS protein function with a negative predictive value of 95%. In summary, the available evidence is currently insufficient to determine the role of this variant in disease. Therefore, it has been classified as a Variant of Uncertain Significance.

NM_015909.4(NBAS):c.5C>T (p.Ala2Val)

Genes: NBAS (NBAS subunit of NRZ tethering complex; minus strand), LOC129933155 (ATAC-STARR-seq lymphoblastoid active region 15346; plus strand). Cytogenetic location: 2p24.3.
Variant type: single nucleotide variant.
Coding change: c.5C>T on transcript NM_015909.4 (MANE Select); coding-DNA position 5, C replaced by T.
Protein change: p.Ala2Val; replaces alanine 2 with valine.
Molecular consequence: missense variant. On other transcripts: non-coding transcript variant (1).
Genome position (GRCh38, 1-based): chr2:15,561,300, G>A on the plus strand (C>T on the coding strand, the complement: NBAS is on the minus strand). VCF-style: chr2-15561300-G-A. GRCh37 (hg19) VCF-style: chr2-15701424-G-A.
Other names: short protein forms A2V.
Identifiers: ClinVar variation 1383701 (VCV001383701.6), dbSNP rs2148724475, ClinGen allele CA345895281.